The following is an entry in ClinVar:

ClinVar aggregate classification (germline): Uncertain significance. Review status: criteria provided, multiple submitters, no conflicts (2 of 4 stars). 6 submissions from 6 submitters: Uncertain significance (5). 1 of the submissions does not count toward it. Last evaluated 2024-11-29.

Conditions:
MVK-related disorder. Also called: MVK-related condition; MVK-related disorders. Identifiers: MedGen CN239294.
Mevalonic aciduria (MEVA). Identifiers: Orphanet 29, MedGen C1959626, MONDO:0012481, OMIM 610377.
Hyperimmunoglobulin D with periodic fever (HIDS). Also called: Hyperimmunoglobulinemia D; HYPERIMMUNOGLOBULINEMIA D AND PERIODIC FEVER SYNDROME; Hyperimmunoglobulinemia D with periodic fever. Identifiers: Orphanet 343, MedGen C0398691, MONDO:0009849, OMIM 260920.
Porokeratosis 3, disseminated superficial actinic type (POROK3). Also called: POROKERATOSIS, DISSEMINATED SUPERFICIAL ACTINIC, 1; POROKERATOSIS 3, MULTIPLE TYPES; POROKERATOSIS 3, MIBELLI TYPE. Identifiers: MedGen C1867981, MONDO:0008293, OMIM 175900.

Allele frequency attached by ClinVar (database versions not stated): gnomAD exomes below 0.00001.
gnomAD v4.1: 11 of 1,614,228 alleles (0.00068%); highest among the groups gnomAD compares: Middle Eastern, 0.099%; 1 homozygote.

Submissions (6):

Labcorp Genetics (formerly Invitae), Labcorp
Classification: Uncertain significance for Mevalonic aciduria; Hyperimmunoglobulin D with periodic fever; Porokeratosis 3, disseminated superficial actinic type. Last evaluated: 2024-11-29. Review status: criteria provided, single submitter. Criteria: Invitae Variant Classification Sherloc (09022015). Collection method: clinical testing. Allele origin: germline.
Comment: This sequence change replaces cysteine, which is neutral and slightly polar, with tyrosine, which is neutral and polar, at codon 173 of the MVK protein (p.Cys173Tyr). This variant is present in population databases (no rsID available, gnomAD 0.0009%). This variant has not been reported in the literature in individuals affected with MVK-related conditions. ClinVar contains an entry for this variant (Variation ID: 546722). Invitae Evidence Modeling of protein sequence and biophysical properties (such as structural, functional, and spatial information, amino acid conservation, physicochemical variation, residue mobility, and thermodynamic stability) has been performed for this missense variant. However, the output from this modeling did not meet the statistical confidence thresholds required to predict the impact of this variant on MVK protein function. In summary, the available evidence is currently insufficient to determine the role of this variant in disease. Therefore, it has been classified as a Variant of Uncertain Significance.

Fulgent Genetics
Classification: Uncertain significance for Porokeratosis 3, disseminated superficial actinic type; Hyperimmunoglobulin D with periodic fever; Mevalonic aciduria. Last evaluated: 2024-03-07. Review status: criteria provided, single submitter. Criteria: ACMG Guidelines, 2015. Collection method: clinical testing. Allele origin: germline.

GeneDx
Classification: Uncertain significance. Last evaluated: 2022-08-25. Review status: criteria provided, single submitter. Criteria: GeneDx Variant Classification Process June 2021. Collection method: clinical testing. Allele origin: germline. Affected: yes.
Comment: In silico analysis supports that this missense variant does not alter protein structure/function; Has not been previously published as pathogenic or benign to our knowledge

Blueprint Genetics
Classification: Uncertain significance. Last evaluated: 2020-02-26. Review status: criteria provided, single submitter. Criteria: ACMG Guidelines, 2015. Collection method: clinical testing. Allele origin: germline.

CeGaT Center for Human Genetics Tuebingen
Classification: Uncertain significance. Last evaluated: 2018-02-01. Review status: criteria provided, single submitter. Criteria: CeGaT Center For Human Genetics Tuebingen Variant Classification Criteria Version 2. Collection method: clinical testing. Allele origin: germline. Affected: yes. Observed: 1 variant allele.

PreventionGenetics, part of Exact Sciences
Classification: Uncertain significance for MVK-related condition. Last evaluated: 2023-10-26. Review status: no assertion criteria provided. Collection method: clinical testing. Allele origin: germline. Not counted in ClinVar's aggregate classification.
Comment: The MVK c.518G>A variant is predicted to result in the amino acid substitution p.Cys173Tyr. To our knowledge, this variant has not been reported in the literature. This variant is reported in 0.00088% of alleles in individuals of European (Non-Finnish) descent in gnomAD. At this time, the clinical significance of this variant is uncertain due to the absence of conclusive functional and genetic evidence.

NM_000431.4(MVK):c.518G>A (p.Cys173Tyr)

Gene: MVK (mevalonate kinase; plus strand). Cytogenetic location: 12q24.11.
Variant type: single nucleotide variant.
Coding change: c.518G>A on transcript NM_000431.4 (MANE Select); coding-DNA position 518, G replaced by A.
Protein change: p.Cys173Tyr; replaces cysteine 173 with tyrosine.
Molecular consequence: missense variant. On other transcripts: intron variant (1).
Genome position (GRCh38, 1-based): chr12:109,581,541, G>A. VCF-style: chr12-109581541-G-A. GRCh37 (hg19) VCF-style: chr12-110019346-G-A.
Other names: c.518G>A, p.Cys173Tyr (NM_001114185.3); c.371+1595G>A (NM_001301182.2); c.518G>A (NM_000431.2, NM_000431.3); short protein forms C173Y.
Identifiers: ClinVar variation 546722 (VCV000546722.50), dbSNP rs1267793765, ClinGen allele CA386646515.